The following is an entry in ClinVar:

NM_004006.3(DMD):c.982A>C (p.Lys328Gln)

Gene: DMD (dystrophin; minus strand). Cytogenetic location: Xp21.1.
Variant type: single nucleotide variant.
Coding change: c.982A>C on transcript NM_004006.3 (MANE Select); coding-DNA position 982, A replaced by C.
Protein change: p.Lys328Gln; replaces lysine 328 with glutamine.
Molecular consequence: missense variant.
Genome position (GRCh38, 1-based): chrX:32,645,131, T>G on the plus strand (A>C on the coding strand, the complement: DMD is on the minus strand). VCF-style: chrX-32645131-T-G. GRCh37 (hg19) VCF-style: chrX-32663248-T-G.
Other names: c.958A>C, p.Lys320Gln (NM_000109.4); c.970A>C, p.Lys324Gln (NM_004009.3); c.613A>C, p.Lys205Gln (NM_004010.3); short protein forms K205Q, K320Q, K324Q, K328Q.
Identifiers: ClinVar variation 3223668 (VCV003223668.2), dbSNP rs924068542, ClinGen allele CA328544807.

ClinVar aggregate classification (germline): Uncertain significance. Review status: criteria provided, multiple submitters, no conflicts (2 of 4 stars). 2 submissions from 2 submitters: Uncertain significance (2). Last evaluated 2025-10-31.

Conditions:
DMD-related disorder. Also called: DMD-related condition.
Cardiovascular phenotype. Identifiers: MedGen CN230736.

Allele frequency attached by ClinVar (database versions not stated): TOPMed 0.00002.

Submissions (2):

PreventionGenetics, part of Exact Sciences
Classification: Uncertain significance for DMD-related condition. Last evaluated: 2025-10-31. Review status: criteria provided, single submitter. Criteria: ACMG Guidelines, 2015. Collection method: clinical testing. Allele origin: germline.
Comment: The DMD c.982A>C variant is predicted to result in the amino acid substitution p.Lys328Gln. To our knowledge, this variant has not been reported in the literature or in a large population database (gnomAD), indicating this variant is rare. At this time, the clinical significance of this variant is uncertain due to the absence of conclusive functional and genetic evidence.

Ambry Genetics
Classification: Uncertain significance for Cardiovascular phenotype. Last evaluated: 2023-09-22. Review status: criteria provided, single submitter. Criteria: Ambry Variant Classification Scheme 2023. Collection method: clinical testing. Allele origin: germline.
Comment: The p.K328Q variant (also known as c.982A>C), located in coding exon 10 of the DMD gene, results from an A to C substitution at nucleotide position 982. The lysine at codon 328 is replaced by glutamine, an amino acid with similar properties. This amino acid position is well conserved in available vertebrate species. In addition, this alteration is predicted to be tolerated by in silico analysis. Since supporting evidence is limited at this time, the clinical significance of this alteration remains unclear.